The following is an entry in ClinVar:

NM_006904.7(PRKDC):c.8671C>T (p.Arg2891Cys)

Genes: PRKDC (protein kinase, DNA-activated, catalytic subunit; minus strand), LOC121740717 (Sharpr-MPRA regulatory region 7649; plus strand). Cytogenetic location: 8q11.21.
Variant type: single nucleotide variant.
Coding change: c.8671C>T on transcript NM_006904.7 (MANE Select); coding-DNA position 8671, C replaced by T.
Protein change: p.Arg2891Cys; replaces arginine 2891 with cysteine.
Molecular consequence: missense variant.
Genome position (GRCh38, 1-based): chr8:47,826,768, G>A on the plus strand (C>T on the coding strand, the complement: PRKDC is on the minus strand). VCF-style: chr8-47826768-G-A. GRCh37 (hg19) VCF-style: chr8-48739329-G-A.
Other names: c.8671C>T, p.Arg2891Cys (NM_001081640.2); short protein forms R2891C.
Identifiers: ClinVar variation 1420153 (VCV001420153.3), dbSNP rs565638844, ClinGen allele CA4739765.

ClinVar aggregate classification (germline): Uncertain significance (1 of 4 stars; one submission).

Conditions:
Severe combined immunodeficiency due to DNA-PKcs deficiency. Also called: IMMUNODEFICIENCY 26 WITH NEUROLOGIC ABNORMALITIES; Immunodeficiency 26 with or without neurologic abnormalities. Identifiers: Orphanet 317425, MedGen C4014833, MONDO:0014423, OMIM 615966.

Allele frequency attached by ClinVar (database versions not stated): TOPMed 0.00002.
gnomAD v4.1: 59 of 1,611,898 alleles (0.0037%); highest among the groups gnomAD compares: Middle Eastern, 0.017%; no homozygotes.

Submission:

Labcorp Genetics (formerly Invitae), Labcorp
Classification: Uncertain significance for Severe combined immunodeficiency due to DNA-PKcs deficiency. Last evaluated: 2021-10-21. Review status: criteria provided, single submitter. Criteria: Invitae Variant Classification Sherloc (09022015). Collection method: clinical testing. Allele origin: germline.
Comment: This sequence change replaces arginine with cysteine at codon 2891 of the PRKDC protein (p.Arg2891Cys). The arginine residue is weakly conserved and there is a large physicochemical difference between arginine and cysteine. This variant is present in population databases (rs565638844, ExAC 0.004%). This variant has not been reported in the literature in individuals with PRKDC-related conditions. Experimental studies and prediction algorithms are not available or were not evaluated, and the functional significance of this variant is currently unknown. In summary, the available evidence is currently insufficient to determine the role of this variant in disease. Therefore, it has been classified as a Variant of Uncertain Significance.